The following is an entry in ClinVar:

NM_004329.3(BMPR1A):c.999A>T (p.Lys333Asn)

Gene: BMPR1A (bone morphogenetic protein receptor type 1A; plus strand). Cytogenetic location: 10q23.2.
Variant type: single nucleotide variant.
Coding change: c.999A>T on transcript NM_004329.3 (MANE Select); coding-DNA position 999, A replaced by T.
Protein change: p.Lys333Asn; replaces lysine 333 with asparagine.
Molecular consequence: missense variant.
Genome position (GRCh38, 1-based): chr10:86,919,302, A>T. VCF-style: chr10-86919302-A-T. GRCh37 (hg19) VCF-style: chr10-88679059-A-T.
Other names: short protein forms K333N.
Identifiers: ClinVar variation 925298 (VCV000925298.9), dbSNP rs1480528360, ClinGen allele CA377460484.
Genomic context (GRCh38, chr10:86,919,302, plus strand): 5'-AAATGGATCTCTCTATGACTTCCTGAAATGTGCTACACTGGACACCAGAGCCCTGCTTAA[A>T]TTGGCTTATTCAGCTGCCTGTGGTCTGTGCCACCTGCACACAGAAATTTATGGCACCCAA-3'
Protein context (NP_004320.2, residues 323-343): CATLDTRALL[Lys333Asn]LAYSAACGLC

ClinVar aggregate classification (germline): Uncertain significance. Review status: criteria provided, multiple submitters, no conflicts (2 of 4 stars). 4 submissions from 4 submitters: Uncertain significance (4). Last evaluated 2024-05-07.

Conditions:
Polyposis syndrome, hereditary mixed, 2. Identifiers: Orphanet 157794, MedGen C1864730, MONDO:0012405, OMIM 610069.
Juvenile polyposis syndrome (JPS). Identifiers: Orphanet 2929, MedGen C0345893, MONDO:0017380, OMIM 174900.
Hereditary cancer-predisposing syndrome. Also called: Hereditary Cancer Syndrome; Hereditary neoplastic syndrome; Neoplastic Syndromes, Hereditary; Tumor predisposition. Identifiers: Orphanet 140162, MedGen C0027672, MeSH D009386, MONDO:0015356.

Allele frequency attached by ClinVar (database versions not stated): gnomAD exomes below 0.00001; gnomAD 0.00001; TOPMed 0.00001.
gnomAD v4.1: 7 of 1,613,828 alleles (0.00043%); highest among the groups gnomAD compares: Non-Finnish European, 0.00059%; no homozygotes.

Submissions (4):

Ambry Genetics
Classification: Uncertain significance for Hereditary cancer-predisposing syndrome. Last evaluated: 2024-05-07. Review status: criteria provided, single submitter. Criteria: Ambry Variant Classification Scheme 2023. Collection method: clinical testing. Allele origin: germline.
Comment: The p.K333N variant (also known as c.999A>T), located in coding exon 8 of the BMPR1A gene, results from an A to T substitution at nucleotide position 999. The lysine at codon 333 is replaced by asparagine, an amino acid with similar properties. This amino acid position is well conserved in available vertebrate species. In addition, this alteration is predicted to be tolerated by in silico analysis. Based on the available evidence, the clinical significance of this variant remains unclear.

Color Diagnostics, LLC DBA Color Health
Classification: Uncertain significance for Hereditary cancer-predisposing syndrome. Last evaluated: 2024-03-06. Review status: criteria provided, single submitter. Criteria: ACMG Guidelines, 2015. Collection method: clinical testing. Allele origin: germline.
Comment: This missense variant replaces lysine with asparagine at codon 333 of the BMPR1A protein. Computational prediction suggests that this variant may not impact protein structure and function (internally defined REVEL score threshold <= 0.5, PMID: 27666373). To our knowledge, functional studies have not been reported for this variant. This variant has not been reported in individuals affected with BMPR1A-related disorders in the literature. This variant has been identified in 1/251176 chromosomes in the general population by the Genome Aggregation Database (gnomAD). The available evidence is insufficient to determine the role of this variant in disease conclusively. Therefore, this variant is classified as a Variant of Uncertain Significance.

Fulgent Genetics
Classification: Uncertain significance for Juvenile polyposis syndrome; Polyposis syndrome, hereditary mixed, 2. Last evaluated: 2024-02-28. Review status: criteria provided, single submitter. Criteria: ACMG Guidelines, 2015. Collection method: clinical testing. Allele origin: germline.

All of Us Research Program, National Institutes of Health
Classification: Uncertain significance for Juvenile polyposis syndrome. Last evaluated: 2024-02-22. Review status: criteria provided, single submitter. Criteria: ACMG Guidelines, 2015. Collection method: clinical testing. Allele origin: germline. Inheritance: Autosomal dominant inheritance. Observed: 1 variant allele, 1 heterozygote.
Comment: This missense variant replaces lysine with asparagine at codon 333 of the BMPR1A protein. Computational prediction suggests that this variant may not impact protein structure and function (internally defined REVEL score threshold <= 0.5, PMID: 27666373). Splice site prediction tools suggest that this variant may not impact RNA splicing. To our knowledge, functional studies have not been performed for this variant. This variant has not been reported in individuals affected with hereditary cancer in the literature. This variant has been identified in 1/251176 chromosomes in the general population by the Genome Aggregation Database (gnomAD). The available evidence is insufficient to determine the role of this variant in disease conclusively. Therefore, this variant is classified as a Variant of Uncertain Significance.

This study involves interpretation of variants in research participants for the purpose of population health screening. Participant phenotype was not available at the time of variant classification. Additional details can be found in publication PMID: 35346344, PMCID: PMC8962531